The following is an entry in ClinVar:

NM_005592.4(MUSK):c.1024G>A (p.Ala342Thr)

Gene: MUSK (muscle associated receptor tyrosine kinase; plus strand). Cytogenetic location: 9q31.3.
Variant type: single nucleotide variant.
Coding change: c.1024G>A on transcript NM_005592.4 (MANE Select); coding-DNA position 1024, G replaced by A.
Protein change: p.Ala342Thr; replaces alanine 342 with threonine.
Molecular consequence: missense variant. On other transcripts: 5 prime UTR variant (1), intron variant (2).
Genome position (GRCh38, 1-based): chr9:110,767,923, G>A. VCF-style: chr9-110767923-G-A. GRCh37 (hg19) VCF-style: chr9-113530203-G-A.
Other names: c.-213G>A (NM_001369398.1); c.950+5715G>A (NM_001166280.2); c.920+5715G>A (NM_001166281.2); short protein forms A342T.
Identifiers: ClinVar variation 1487319 (VCV001487319.5), dbSNP rs2077509392, ClinGen allele CA374468890.

ClinVar aggregate classification (germline): Uncertain significance (1 of 4 stars; one submission).

Conditions:
Fetal akinesia deformation sequence 1 (FADS1). Also called: Pena-Shokeir syndrome type I; Fetal akinesia sequence. Identifiers: Orphanet 994, MedGen C1276035, MONDO:0100101, OMIM 208150, HP:0001989.
Congenital myasthenic syndrome 9. Also called: Myasthenic syndrome, congenital, 9, associated with acetylcholine receptor deficiency. Identifiers: Orphanet 590, MedGen C4225368, MONDO:0014587, OMIM 616325.

Allele frequency attached by ClinVar (database versions not stated): gnomAD exomes below 0.00001.
gnomAD v4.1: 7 of 1,613,910 alleles (0.00043%); highest among the groups gnomAD compares: African/African-American, 0.0053%; no homozygotes.

Submission:

Labcorp Genetics (formerly Invitae), Labcorp
Classification: Uncertain significance for Congenital myasthenic syndrome 9; Fetal akinesia deformation sequence 1. Last evaluated: 2022-03-22. Review status: criteria provided, single submitter. Criteria: Invitae Variant Classification Sherloc (09022015). Collection method: clinical testing. Allele origin: germline.
Comment: This sequence change replaces alanine, which is neutral and non-polar, with threonine, which is neutral and polar, at codon 342 of the MUSK protein (p.Ala342Thr). This variant is not present in population databases (gnomAD no frequency). This variant has not been reported in the literature in individuals affected with MUSK-related conditions. Advanced modeling of protein sequence and biophysical properties (such as structural, functional, and spatial information, amino acid conservation, physicochemical variation, residue mobility, and thermodynamic stability) performed at Invitae indicates that this missense variant is not expected to disrupt MUSK protein function. In summary, the available evidence is currently insufficient to determine the role of this variant in disease. Therefore, it has been classified as a Variant of Uncertain Significance.